The following is an entry in ClinVar:

NM_001330288.2(SMARCC2):c.2919G>A (p.Ala973=)

Gene: SMARCC2 (SWI/SNF related BAF chromatin remodeling complex subunit C2; minus strand). Cytogenetic location: 12q13.2.
Variant type: single nucleotide variant.
Coding change: c.2919G>A on transcript NM_001330288.2 (MANE Select); coding-DNA position 2919, G replaced by A.
Protein change: p.Ala973=; no amino-acid change (alanine 973 retained).
Molecular consequence: synonymous variant.
Genome position (GRCh38, 1-based): chr12:56,165,631, C>T on the plus strand (G>A on the coding strand, the complement: SMARCC2 is on the minus strand). VCF-style: chr12-56165631-C-T. GRCh37 (hg19) VCF-style: chr12-56559415-C-T.
Other names: c.2919G>A, p.Ala973= (NM_001130420.3, NM_139067.4); c.2826G>A, p.Ala942= (NM_003075.5).
Identifiers: ClinVar variation 3234219 (VCV003234219.21), dbSNP rs116595430, ClinGen allele CA6625672.

ClinVar aggregate classification (germline): Likely benign. Review status: criteria provided, multiple submitters, no conflicts (2 of 4 stars). 2 submissions from 2 submitters: Likely benign (2). Last evaluated 2026-03-01.

Allele frequency attached by ClinVar (database versions not stated): ExAC 0.00116; ESP Exome Variant Server 0.00331; gnomAD 0.00350; 1000 Genomes Project 30x 0.00484; 1000 Genomes Project 0.00519.
gnomAD v4.1: 1,176 of 1,613,588 alleles (0.073%); highest among the groups gnomAD compares: African/African-American, 1%; 3 homozygotes.

Submissions (2):

CeGaT Center for Human Genetics Tuebingen
Classification: Likely benign. Last evaluated: 2026-03-01. Review status: criteria provided, single submitter. Criteria: CeGaT Center For Human Genetics Tuebingen Variant Classification Criteria Version 2. Collection method: clinical testing. Allele origin: germline. Affected: yes. Observed: 2 variant alleles.
Comment: SMARCC2: BP4, BP7, BS1

Blueprint Genetics
Classification: Likely benign. Last evaluated: 2024-11-25. Review status: criteria provided, single submitter. Criteria: ACMG Guidelines, 2015. Collection method: clinical testing. Allele origin: germline.